The following is an entry in ClinVar:

ClinVar aggregate classification (germline): Pathogenic (1 of 4 stars; one submission).

gnomAD v4.1: 2 of 1,614,184 alleles (0.00012%); highest among the groups gnomAD compares: Admixed American, 0.0017%; no homozygotes.

Submission:

Labcorp Genetics (formerly Invitae), Labcorp
Classification: Pathogenic. Last evaluated: 2023-08-29. Review status: criteria provided, single submitter. Criteria: Invitae Variant Classification Sherloc (09022015). Collection method: clinical testing. Allele origin: germline.
Comment: This variant is present in population databases (no rsID available, gnomAD 0.003%). This sequence change creates a premature translational stop signal (p.Gln826*) in the SLC12A3 gene. It is expected to result in an absent or disrupted protein product. Loss-of-function variants in SLC12A3 are known to be pathogenic (PMID: 20848653, 22009145, 25841442). This variant has not been reported in the literature in individuals affected with SLC12A3-related conditions. For these reasons, this variant has been classified as Pathogenic.

Literature cited by the submitters: PubMed 20848653; PubMed 22009145; PubMed 25841442.

NM_001126108.2(SLC12A3):c.2449C>T (p.Gln817Ter)

Gene: SLC12A3 (solute carrier family 12 member 3; plus strand). Cytogenetic location: 16q13.
Variant type: single nucleotide variant.
Coding change: c.2449C>T on transcript NM_001126108.2 (MANE Select); coding-DNA position 2449, C replaced by T.
Protein change: p.Gln817Ter; replaces glutamine 817 with a stop codon.
Molecular consequence: nonsense.
Genome position (GRCh38, 1-based): chr16:56,892,982, C>T. VCF-style: chr16-56892982-C-T. GRCh37 (hg19) VCF-style: chr16-56926894-C-T.
Other names: c.2476C>T, p.Gln826Ter (NM_000339.3); c.2473C>T, p.Gln825Ter (NM_001126107.2); c.2446C>T, p.Gln816Ter (NM_001410896.1); short protein forms Q826*, Q817*, Q816*, Q825*.
Identifiers: ClinVar variation 3007580 (VCV003007580.3), dbSNP rs763957669, ClinGen allele CA395996158.
Genomic context (GRCh38, chr16:56,892,982, plus strand): 5'-CTCTGCTCTGACCCGCCCCCACCTCCTGCAGTGGACCCCAAGGCCCTGGTGAAGGAGGAG[C>T]AGGCCACCACCATCTTCCAGTCGGAGCAGGGCAAGAAGACCATAGACATCTACTGGCTCT-3'